The following is an entry in ClinVar:

ClinVar aggregate classification (germline): Uncertain significance. Review status: criteria provided, multiple submitters, no conflicts (2 of 4 stars). 5 submissions from 5 submitters: Uncertain significance (5). Last evaluated 2025-03-22.

Conditions:
Hereditary pancreatitis (PCTT). Also called: PRSS1-Related Hereditary Pancreatitis; Hereditary chronic pancreatitis. Identifiers: Orphanet 676, MedGen C0238339, MONDO:0008185, OMIM 167800.

Allele frequency attached by ClinVar (database versions not stated): gnomAD exomes 0.00001 and 0.00002; TOPMed 0.00001; ExAC 0.00002; ESP Exome Variant Server 0.00008.
gnomAD v4.1: 33 of 1,612,714 alleles (0.002%); highest among the groups gnomAD compares: Non-Finnish European, 0.0028%; no homozygotes.

Submissions (5):

Ambry Genetics
Classification: Uncertain significance for Hereditary pancreatitis. Last evaluated: 2025-03-22. Review status: criteria provided, single submitter. Criteria: Ambry Variant Classification Scheme 2023. Collection method: clinical testing. Allele origin: germline.
Comment: The p.R28G variant (also known as c.82A>G), located in coding exon 2 of the SPINK1 gene, results from an A to G substitution at nucleotide position 82. The arginine at codon 28 is replaced by glycine, an amino acid with dissimilar properties. This amino acid position is conserved. In addition, this alteration is predicted to be tolerated by in silico analysis. Since supporting evidence is limited at this time, the clinical significance of this alteration remains unclear.

Labcorp Genetics (formerly Invitae), Labcorp
Classification: Uncertain significance for Hereditary pancreatitis. Last evaluated: 2024-01-12. Review status: criteria provided, single submitter. Criteria: Invitae Variant Classification Sherloc (09022015). Collection method: clinical testing. Allele origin: germline.
Comment: This sequence change replaces arginine, which is basic and polar, with glycine, which is neutral and non-polar, at codon 28 of the SPINK1 protein (p.Arg28Gly). This variant is present in population databases (rs375368064, gnomAD 0.002%). This variant has not been reported in the literature in individuals affected with SPINK1-related conditions. ClinVar contains an entry for this variant (Variation ID: 809814). An algorithm developed to predict the effect of missense changes on protein structure and function (PolyPhen-2) suggests that this variant is likely to be disruptive. In summary, the available evidence is currently insufficient to determine the role of this variant in disease. Therefore, it has been classified as a Variant of Uncertain Significance.

Women's Health and Genetics/Laboratory Corporation of America, LabCorp
Classification: Uncertain significance. Last evaluated: 2021-07-26. Review status: criteria provided, single submitter. Criteria: LabCorp Variant Classification Summary - May 2015. Collection method: clinical testing. Allele origin: germline.
Comment: Variant summary: SPINK1 c.82A>G (p.Arg28Gly) results in a non-conservative amino acid change located in the Kazal domain (IPR002350) of the encoded protein sequence. Three of five in-silico tools predict a benign effect of the variant on protein function. The variant allele was found at a frequency of 8e-06 in 250272 control chromosomes (gnomAD). The available data on variant occurrences in the general population are insufficient to allow any conclusion about variant significance. To our knowledge, no occurrence of c.82A>G in individuals affected with Chronic Pancreatitis Risk and no experimental evidence demonstrating its impact on protein function have been reported. Four ClinVar submitters (evaluation after 2014) cite the variant as uncertain significance. Based on the evidence outlined above, the variant was classified as uncertain significance.

Mayo Clinic Laboratories, Mayo Clinic
Classification: Uncertain significance. Last evaluated: 2020-09-28. Review status: criteria provided, single submitter. Criteria: ACMG Guidelines, 2015. Collection method: clinical testing. Allele origin: germline. Observed: 1 variant allele.

ARUP Laboratories, Molecular Genetics and Genomics, ARUP Laboratories
Classification: Uncertain significance. Last evaluated: 2020-07-17. Review status: criteria provided, single submitter. Criteria: ARUP Molecular Germline Variant Investigation Process. Collection method: clinical testing. Allele origin: germline.
Comment: The SPINK1 c.82A>G; p.Arg28Gly variant (rs375368064), to our knowledge, is not reported in the medical literature but is reported in ClinVar (Variation ID: 809814). This variant is found on only two chromosomes in the Genome Aggregation Database (2/250272 alleles), indicating it is not a common polymorphism. The arginine at codon 28 is moderately conserved, and computational analyses (SIFT: damaging, PolyPhen-2: benign) predict conflicting effects of this variant on protein structure/function. However, due to limited information, the clinical significance of the p.Arg28Gly variant is uncertain at this time.

NM_001379610.1(SPINK1):c.82A>G (p.Arg28Gly)

Gene: SPINK1 (serine peptidase inhibitor Kazal type 1; minus strand). Cytogenetic location: 5q32.
Variant type: single nucleotide variant.
Coding change: c.82A>G on transcript NM_001379610.1 (MANE Select); coding-DNA position 82, A replaced by G.
Protein change: p.Arg28Gly; replaces arginine 28 with glycine.
Molecular consequence: missense variant.
Genome position (GRCh38, 1-based): chr5:147,829,604, T>C on the plus strand (A>G on the coding strand, the complement: SPINK1 is on the minus strand). VCF-style: chr5-147829604-T-C. GRCh37 (hg19) VCF-style: chr5-147209167-T-C.
Other names: c.82A>G, p.Arg28Gly (NM_001354966.2, NM_003122.5); short protein forms R28G.
Identifiers: ClinVar variation 809814 (VCV000809814.35), dbSNP rs375368064, ClinGen allele CA3494808.